The following is an entry in ClinVar:

NM_012452.3(TNFRSF13B):c.561G>A (p.Lys187=)

Gene: TNFRSF13B (TNF receptor superfamily member 13B; minus strand). Cytogenetic location: 17p11.2.
Variant type: single nucleotide variant.
Coding change: c.561G>A on transcript NM_012452.3 (MANE Select); coding-DNA position 561, G replaced by A.
Protein change: p.Lys187=; no amino-acid change (lysine 187 retained).
Molecular consequence: synonymous variant.
Genome position (GRCh38, 1-based): chr17:16,940,396, C>T on the plus strand (G>A on the coding strand, the complement: TNFRSF13B is on the minus strand). VCF-style: chr17-16940396-C-T. GRCh37 (hg19) VCF-style: chr17-16843710-C-T.
Identifiers: ClinVar variation 785727 (VCV000785727.15), dbSNP rs373469090, ClinGen allele CA8413951.

ClinVar aggregate classification (germline): Likely benign. Review status: criteria provided, multiple submitters, no conflicts (2 of 4 stars). 4 submissions from 4 submitters: Likely benign (3). 1 of the submissions does not count toward it. Last evaluated 2026-01-01.

Conditions:
TNFRSF13B-related disorder. Also called: TNFRSF13B-related condition.
Immunodeficiency, common variable, 2 (CVID2). Also called: HYPOGAMMAGLOBULINEMIA DUE TO TACI DEFICIENCY; ANTIBODY DEFICIENCY DUE TO TACI DEFECT. Identifiers: Orphanet 1572, MedGen C3150354, MONDO:0009413, OMIM 240500.

Allele frequency attached by ClinVar (database versions not stated): ESP Exome Variant Server 0.00008; gnomAD 0.00008 and 0.00009; ExAC 0.00010; TOPMed 0.00012.
gnomAD v4.1: 271 of 1,613,992 alleles (0.017%); highest among the groups gnomAD compares: Non-Finnish European, 0.022%; 1 homozygote.

Submissions (4):

CeGaT Center for Human Genetics Tuebingen
Classification: Likely benign. Last evaluated: 2026-01-01. Review status: criteria provided, single submitter. Criteria: CeGaT Center For Human Genetics Tuebingen Variant Classification Criteria Version 2. Collection method: clinical testing. Allele origin: germline. Affected: yes. Observed: 1 variant allele.
Comment: TNFRSF13B: BP4, BP7

Labcorp Genetics (formerly Invitae), Labcorp
Classification: Likely benign for Immunodeficiency, common variable, 2. Last evaluated: 2025-12-03. Review status: criteria provided, single submitter. Criteria: Invitae Variant Classification Sherloc (09022015). Collection method: clinical testing. Allele origin: germline.

Blueprint Genetics
Classification: Likely benign. Last evaluated: 2024-11-19. Review status: criteria provided, single submitter. Criteria: ACMG Guidelines, 2015. Collection method: clinical testing. Allele origin: germline.

PreventionGenetics, part of Exact Sciences
Classification: Likely benign for TNFRSF13B-related condition. Last evaluated: 2024-03-12. Review status: no assertion criteria provided. Collection method: clinical testing. Allele origin: germline. Not counted in ClinVar's aggregate classification.
Comment: This variant is classified as likely benign based on ACMG/AMP sequence variant interpretation guidelines (Richards et al. 2015 PMID: 25741868, with internal and published modifications).